The following is an entry in ClinVar:

ClinVar aggregate classification (germline): Conflicting classifications of pathogenicity. Review status: criteria provided, conflicting classifications (1 of 4 stars). 5 submissions from 5 submitters: Uncertain significance (4); Likely benign (1). Last evaluated 2025-11-01.

Conditions:
Long QT syndrome (LQTS). Identifiers: MedGen C0023976, MeSH D008133, MONDO:0002442. Disease mechanism: loss of function. Inheritance: Various modes of inheritance.
Cardiac arrhythmia, ankyrin-B-related. Also called: ANKYRIN-B SYNDROME. Identifiers: Orphanet 101016, Orphanet 768, MedGen C1970119, MONDO:0010958, OMIM 600919.
Cardiovascular phenotype. Identifiers: MedGen CN230736.

Allele frequency attached by ClinVar (database versions not stated): gnomAD 0.00029 and 0.00027; TOPMed 0.00026; ExAC 0.00002; gnomAD exomes 0.00004; ESP Exome Variant Server 0.00008; 1000 Genomes Project 0.00040; 1000 Genomes Project 30x 0.00062.
gnomAD v4.1: 83 of 1,613,348 alleles (0.0051%); highest among the groups gnomAD compares: African/African-American, 0.11%; no homozygotes.

Submissions (5):

Labcorp Genetics (formerly Invitae), Labcorp
Classification: Uncertain significance for Long QT syndrome. Last evaluated: 2025-11-01. Review status: criteria provided, single submitter. Criteria: Invitae Variant Classification Sherloc (09022015). Collection method: clinical testing. Allele origin: germline.
Comment: This sequence change replaces threonine, which is neutral and polar, with asparagine, which is neutral and polar, at codon 3670 of the ANK2 protein (p.Thr3670Asn). This variant is present in population databases (rs45608232, gnomAD 0.06%), and has an allele count higher than expected for a pathogenic variant. This variant has not been reported in the literature in individuals affected with ANK2-related conditions. This variant is also known as c.4655C>A (p.Thr1552Asn). ClinVar contains an entry for this variant (Variation ID: 457015). Invitae Evidence Modeling of protein sequence and biophysical properties (such as structural, functional, and spatial information, amino acid conservation, physicochemical variation, residue mobility, and thermodynamic stability) indicates that this missense variant is not expected to disrupt ANK2 protein function with a negative predictive value of 80%. Experimental studies have shown that this missense change affects ANK2 function (PMID: 17242276). In summary, the available evidence is currently insufficient to determine the role of this variant in disease. Therefore, it has been classified as a Variant of Uncertain Significance.

GeneDx
Classification: Uncertain significance. Last evaluated: 2025-10-06. Review status: criteria provided, single submitter. Criteria: GeneDx Variant Classification Process June 2021. Collection method: clinical testing. Allele origin: germline.
Comment: Identified in patients with congenital arrhythmia or drug-induced long-QT syndrome (PMID: 17242276); A published functional study suggests a negligible loss-of-function result for the p.(T3670N) variant (PMID: 17242276); In silico analysis suggests that this missense variant does not alter protein structure/function; Also known as p.(T1552N); This variant is associated with the following publications: (PMID: 19394342, 35224819, 35990955, 17242276)

Ambry Genetics
Classification: Likely benign for Cardiovascular phenotype. Last evaluated: 2021-12-21. Review status: criteria provided, single submitter. Criteria: Ambry Variant Classification Scheme 2023. Collection method: clinical testing. Allele origin: germline.

Fulgent Genetics
Classification: Uncertain significance for Cardiac arrhythmia, ankyrin-B-related. Last evaluated: 2021-09-10. Review status: criteria provided, single submitter. Criteria: ACMG Guidelines, 2015. Collection method: clinical testing. Allele origin: unknown.

Women's Health and Genetics/Laboratory Corporation of America, LabCorp
Classification: Uncertain significance. Last evaluated: 2021-05-17. Review status: criteria provided, single submitter. Criteria: LabCorp Variant Classification Summary - May 2015. Collection method: clinical testing. Allele origin: germline.
Comment: Variant summary: ANK2 c.11009C>A (p.Thr3670Asn) (also described in literature as c.4655C>A, p.T1552N) results in a non-conservative amino acid change in the encoded protein sequence. Three of five in-silico tools predict a damaging effect of the variant on protein function. The variant allele was found at a frequency of 0.00027 in 150334 control chromosomes, predominantly at a frequency of 0.00095 within the African or African-American subpopulation in the gnomAD v3.1.1 database. The observed variant frequency within African or African-American control individuals in the gnomAD database is approximately 142-fold of the estimated maximal expected allele frequency for a pathogenic variant in ANK2 causing Long QT Syndrome phenotype (6.7e-06), strongly suggesting that the variant is a benign polymorphism found primarily in populations of African or African-American origin. To our knowledge, no occurrence of c.11009C>A in individuals affected with Long QT Syndrome has been reported in the literature. Experimental evidence evaluating an impact on protein function demonstrated T1552N to confer a negligible loss of function as displayed by measurements of contraction rates, spatial/temporal patterns of Ca2+ releases and expression and localization experiments on neonatal mice cardiomyocytes (Mohler_2007). Two ClinVar submitters (evaluation after 2014) cite the variant as uncertain significance. Based on the evidence outlined above, the variant was classified as uncertain significance until additional evidence of clinical and/or functional importance becomes available.

Literature cited by the submitters: PubMed 17242276 (cited by Labcorp Genetics (formerly Invitae), Labcorp and Women's Health and Genetics/Laboratory Corporation of America, LabCorp); PubMed 16253912 (cited by Women's Health and Genetics/Laboratory Corporation of America, LabCorp); PubMed 19394342 (cited by Women's Health and Genetics/Laboratory Corporation of America, LabCorp); PubMed 29133412 (cited by Women's Health and Genetics/Laboratory Corporation of America, LabCorp).

NM_001148.6(ANK2):c.11009C>A (p.Thr3670Asn)

Gene: ANK2 (ankyrin 2; plus strand). Cytogenetic location: 4q26.
Variant type: single nucleotide variant.
Coding change: c.11009C>A on transcript NM_001148.6 (MANE Select); coding-DNA position 11009, C replaced by A.
Protein change: p.Thr3670Asn; replaces threonine 3670 with asparagine.
Molecular consequence: missense variant.
Genome position (GRCh38, 1-based): chr4:113,365,159, C>A. VCF-style: chr4-113365159-C-A. GRCh37 (hg19) VCF-style: chr4-114286315-C-A.
Other names: c.4727C>A, p.Thr1576Asn (NM_001127493.3); c.4766C>A, p.Thr1589Asn (NM_001354225.2); c.4655C>A, p.Thr1552Asn (NM_001354228.2, NM_001354258.2); c.4733C>A, p.Thr1578Asn (NM_001354230.2); c.4796C>A, p.Thr1599Asn (NM_001354231.2, NM_001354242.2); c.4790C>A, p.Thr1597Asn (NM_001354232.2); c.4751C>A, p.Thr1584Asn (NM_001354235.2, NM_001354246.2, NM_001354265.2); c.4652C>A, p.Thr1551Asn (NM_001354236.2); and 35 more; short protein forms T3670N, T1576N, T1485N, T1498N, T1507N, T1523N, T1584N, T1599N.
Identifiers: ClinVar variation 457015 (VCV000457015.17), dbSNP rs45608232, ClinGen allele CA3052178.